The following is an entry in ClinVar:

NM_001194998.2(CEP152):c.5078C>T (p.Pro1693Leu)

Gene: CEP152 (centrosomal protein 152; minus strand). Cytogenetic location: 15q21.1.
Variant type: single nucleotide variant.
Coding change: c.5078C>T on transcript NM_001194998.2 (MANE Select); coding-DNA position 5078, C replaced by T.
Protein change: p.Pro1693Leu; replaces proline 1693 with leucine.
Molecular consequence: missense variant.
Genome position (GRCh38, 1-based): chr15:48,738,304, G>A on the plus strand (C>T on the coding strand, the complement: CEP152 is on the minus strand). VCF-style: chr15-48738304-G-A. GRCh37 (hg19) VCF-style: chr15-49030501-G-A.
Other names: c.4910C>T, p.Pro1637Leu (NM_014985.4); short protein forms P1637L, P1693L.
Identifiers: ClinVar variation 158270 (VCV000158270.19), dbSNP rs368764302, ClinGen allele CA211086.

ClinVar aggregate classification (germline): Benign/Likely benign. Review status: criteria provided, multiple submitters, no conflicts (2 of 4 stars). 6 submissions from 5 submitters: Benign (4); Likely benign (2). Last evaluated 2026-01-26.

Conditions:
Seckel syndrome 5 (SCKL5). Identifiers: Orphanet 808, MedGen C3151187, MONDO:0013443, OMIM 613823.
Microcephaly 9, primary, autosomal recessive. Identifiers: Orphanet 2512, MedGen C3553886, MONDO:0013923, OMIM 614852.

Allele frequency attached by ClinVar (database versions not stated): gnomAD 0.00010 and 0.00099; TOPMed 0.00020; 1000 Genomes Project 30x 0.00625; 1000 Genomes Project 0.00719.
gnomAD v4.1: 2,324 of 1,613,914 alleles (0.14%); highest among the groups gnomAD compares: South Asian, 2.4%; 42 homozygotes.

Submissions (6):

Labcorp Genetics (formerly Invitae), Labcorp
Classification: Benign. Last evaluated: 2026-01-26. Review status: criteria provided, single submitter. Criteria: Invitae Variant Classification Sherloc (09022015). Collection method: clinical testing. Allele origin: germline.

GeneDx
Classification: Benign. Last evaluated: 2018-02-05. Review status: criteria provided, single submitter. Criteria: GeneDx Variant Classification (06012015). Collection method: clinical testing. Allele origin: germline. Affected: yes.
Comment: This variant is considered likely benign or benign based on one or more of the following criteria: it is a conservative change, it occurs at a poorly conserved position in the protein, it is predicted to be benign by multiple in silico algorithms, and/or has population frequency not consistent with disease.

Illumina Laboratory Services, Illumina
Classification: Likely benign for Microcephaly 9, primary, autosomal recessive. Last evaluated: 2018-01-13. Review status: criteria provided, single submitter. Criteria: ICSL Variant Classification Criteria 13 December 2019. Collection method: clinical testing. Allele origin: germline.
Comment: This variant was observed in the ICSL laboratory as part of a predisposition screen in an ostensibly healthy population. It had not been previously curated by ICSL or reported in the Human Gene Mutation Database (HGMD: prior to June 1st, 2018), and was therefore a candidate for classification through an automated scoring system. Utilizing variant allele frequency, disease prevalence and penetrance estimates, and inheritance mode, an automated score was calculated to assess if this variant is too frequent to cause the disease. Based on the score and internal cut-off values, a variant classified as likely benign is not then subjected to further curation. The score for this variant resulted in a classification of likely benign for this disease.

Illumina Laboratory Services, Illumina
Classification: Benign for Seckel syndrome 5. Last evaluated: 2018-01-13. Review status: criteria provided, single submitter. Criteria: ICSL Variant Classification Criteria 13 December 2019. Collection method: clinical testing. Allele origin: germline.
Comment: This variant was observed in the ICSL laboratory as part of a predisposition screen in an ostensibly healthy population. It had not been previously curated by ICSL or reported in the Human Gene Mutation Database (HGMD: prior to June 1st, 2018), and was therefore a candidate for classification through an automated scoring system. Utilizing variant allele frequency, disease prevalence and penetrance estimates, and inheritance mode, an automated score was calculated to assess if this variant is too frequent to cause the disease. Based on the score and internal cut-off values, a variant classified as benign is not then subjected to further curation. The score for this variant resulted in a classification of benign for this disease.

Genetic Services Laboratory, University of Chicago
Classification: Benign. Last evaluated: 2016-01-08. Review status: criteria provided, single submitter. Criteria: ACMG Guidelines, 2015. Collection method: clinical testing. Allele origin: germline. Affected: no.

Breakthrough Genomics
Classification: Likely benign. Review status: criteria provided, single submitter. Criteria: ACMG Guidelines, 2015. Collection method: not provided. Allele origin: germline. Inheritance: Autosomal recessive inheritance. Affected: yes.